The following is an entry in ClinVar:

NM_005529.7(HSPG2):c.12666-4G>A

Genes: HSPG2 (heparan sulfate proteoglycan 2; minus strand), LDLRAD2 (low density lipoprotein receptor class A domain containing 2; plus strand). Cytogenetic location: 1p36.12.
Variant type: single nucleotide variant.
Coding change: c.12666-4G>A on transcript NM_005529.7 (MANE Select); 4 bases into the intron before coding-DNA position 12666, G replaced by A.
Molecular consequence: intron variant. On other transcripts: 3 prime UTR variant (1).
Genome position (GRCh38, 1-based): chr1:21,824,619, C>T on the plus strand (G>A on the coding strand, the complement: HSPG2 is on the minus strand). VCF-style: chr1-21824619-C-T. GRCh37 (hg19) VCF-style: chr1-22151112-C-T.
Other names: c.*2404C>T (NM_001013693.3); c.12669-4G>A (NM_001291860.2).
Identifiers: ClinVar variation 2175028 (VCV002175028.8), dbSNP rs575126803, ClinGen allele CA669333.
Genomic context (GRCh38, chr1:21,824,619, plus strand): 5'-CCACTGGCTGTGCTGGTCCGAACCTCCAGCTCGATGGTCTCGGGCACCTCGGGCAGGCTG[C>T]GGAGGAAGAGCGGGTGAGGGGACAGAAGTCCCAGATTCCCATCCTCCCCATTAGGCCCAT-3'

ClinVar aggregate classification (germline): Conflicting classifications of pathogenicity. Review status: criteria provided, conflicting classifications (1 of 4 stars). 3 submissions from 3 submitters: Uncertain significance (2); Likely benign (1). Last evaluated 2025-06-11.

Allele frequency attached by ClinVar (database versions not stated): ExAC 0.00005; gnomAD 0.00005; TOPMed 0.00007.
gnomAD v4.1: 40 of 1,613,998 alleles (0.0025%); highest among the groups gnomAD compares: East Asian, 0.076%; 1 homozygote.

Submissions (3):

ARUP Laboratories, Molecular Genetics and Genomics, ARUP Laboratories
Classification: Uncertain significance. Last evaluated: 2025-06-11. Review status: criteria provided, single submitter. Criteria: ARUP Molecular Germline Variant Investigation Process 2024. Collection method: clinical testing. Allele origin: germline.
Comment: The HSPG2 c.12666-4G>A variant (rs575126803), to our knowledge, is not reported in the medical literature but is reported in ClinVar (Variation ID: 2175028). This variant is found in the East Asian population with an allele frequency of 0.07% (13/18,372 alleles) in the Genome Aggregation Database (v2.1.1). This is an intronic variant and computational analyses (Alamut Visual Plus v.1.12) predict that this variant does not alter splicing. However, since this variant is located within the minimal splice region, the clinical significance of this variant is uncertain at this time.

Labcorp Genetics (formerly Invitae), Labcorp
Classification: Likely benign. Last evaluated: 2022-10-07. Review status: criteria provided, single submitter. Criteria: Invitae Variant Classification Sherloc (09022015). Collection method: clinical testing. Allele origin: germline.

Revvity Omics, Revvity
Classification: Uncertain significance. Last evaluated: 2019-08-23. Review status: criteria provided, single submitter. Criteria: ACMG Guidelines, 2015. Collection method: clinical testing. Allele origin: germline.